The following is an entry in ClinVar:

ClinVar aggregate classification (germline): Uncertain significance. Review status: criteria provided, multiple submitters, no conflicts (2 of 4 stars). 4 submissions from 4 submitters: Uncertain significance (4). Last evaluated 2023-04-21.

Conditions:
Familial thoracic aortic aneurysm and aortic dissection (TAAD). Also called: Thoracic aortic aneurysms and dissections. Identifiers: Orphanet 91387, MedGen C4707243, MONDO:0019625.

Allele frequency attached by ClinVar (database versions not stated): gnomAD 0.00001; gnomAD exomes 0.00001.
gnomAD v4.1: 13 of 1,076,884 alleles (0.0012%); highest among the groups gnomAD compares: South Asian, 0.0088%; no homozygotes.

Submissions (4):

Blueprint Genetics
Classification: Uncertain significance. Last evaluated: 2023-04-21. Review status: criteria provided, single submitter. Criteria: ACMG Guidelines, 2015. Collection method: clinical testing. Allele origin: germline.

GeneDx
Classification: Uncertain significance. Last evaluated: 2020-03-02. Review status: criteria provided, single submitter. Criteria: GeneDx Variant Classification Process June 2021. Collection method: clinical testing. Allele origin: germline. Affected: yes.
Comment: Not observed at a significant frequency in large population cohorts (Lek et al., 2016); Located in a region that tolerates variation and lacks pathogenic variants; Has not been previously published as pathogenic or benign to our knowledge

Ambry Genetics
Classification: Uncertain significance for Familial thoracic aortic aneurysm and aortic dissection. Last evaluated: 2019-09-30. Review status: criteria provided, single submitter. Criteria: Ambry Variant Classification Scheme 2023. Collection method: clinical testing. Allele origin: germline.
Comment: The c.-3A>G variant is located in the 5' untranslated region (5&rsquo; UTR) of the TGFBR1 gene. This variant results from an A to G substitution 3 bases upstream from the first translated codon. This nucleotide position is well conserved in available vertebrate species. Since supporting evidence is limited at this time, the clinical significance of this alteration remains unclear.

CHEO Genetics Diagnostic Laboratory, Children's Hospital of Eastern Ontario
Classification: Uncertain significance for Familial thoracic aortic aneurysm and aortic dissection. Last evaluated: 2017-07-07. Review status: criteria provided, single submitter. Criteria: ACMG Guidelines, 2015. Collection method: clinical testing. Allele origin: germline. Study: Canadian Open Genetics Repository.

NM_004612.4(TGFBR1):c.-3A>G

Genes: TGFBR1 (transforming growth factor beta receptor 1; plus strand), LOC130002223 (ATAC-STARR-seq lymphoblastoid silent region 20124; plus strand). Cytogenetic location: 9q22.33.
Variant type: single nucleotide variant.
Coding change: c.-3A>G on transcript NM_004612.4 (MANE Select); 3 bases upstream of the start codon, A replaced by G.
Molecular consequence: 5 prime UTR variant.
Genome position (GRCh38, 1-based): chr9:99,105,203, A>G. VCF-style: chr9-99105203-A-G. GRCh37 (hg19) VCF-style: chr9-101867485-A-G.
Other names: c.-3A>G (NM_001130916.3, NM_001306210.2).
Identifiers: ClinVar variation 626771 (VCV000626771.8), dbSNP rs1170998539, ClinGen allele CA589359841.